The following is an entry in ClinVar:

NM_052867.4(NALCN):c.2193-5331C>T

Gene: NALCN (sodium leak channel, non-selective; minus strand). Cytogenetic location: 13q33.1.
Variant type: single nucleotide variant.
Coding change: c.2193-5331C>T on transcript NM_052867.4 (MANE Select); 5331 bases into the intron before coding-DNA position 2193, C replaced by T.
Molecular consequence: intron variant.
Genome position (GRCh38, 1-based): chr13:101,116,557, G>A on the plus strand (C>T on the coding strand, the complement: NALCN is on the minus strand). VCF-style: chr13-101116557-G-A. GRCh37 (hg19) VCF-style: chr13-101768908-G-A.
Other names: c.2106-5331C>T (NM_001350751.2, NM_001350750.2); c.2193-5331C>T (NM_001350749.2); c.2279+363C>T (NM_001350748.2).
Identifiers: ClinVar variation 3390009 (VCV003390009.14).

ClinVar aggregate classification (germline): Uncertain significance (1 of 4 stars; one submission).

Submission:

CeGaT Center for Human Genetics Tuebingen
Classification: Uncertain significance. Last evaluated: 2024-10-01. Review status: criteria provided, single submitter. Criteria: CeGaT Center For Human Genetics Tuebingen Variant Classification Criteria Version 2. Collection method: clinical testing. Allele origin: germline. Affected: yes. Observed: 1 variant allele.
Comment: NALCN: PM2